The following is an entry in ClinVar:

ClinVar aggregate classification (germline): Uncertain significance. Review status: criteria provided, multiple submitters, no conflicts (2 of 4 stars). 2 submissions from 2 submitters: Uncertain significance (2). Last evaluated 2023-02-04.

Conditions:
Hereditary cancer-predisposing syndrome. Also called: Neoplastic Syndromes, Hereditary; Tumor predisposition; Hereditary neoplastic syndrome; Hereditary Cancer Syndrome. Identifiers: Orphanet 140162, MedGen C0027672, MeSH D009386, MONDO:0015356.

Submissions (2):

Ambry Genetics
Classification: Uncertain significance for Hereditary cancer-predisposing syndrome. Last evaluated: 2023-02-04. Review status: criteria provided, single submitter. Criteria: Ambry Variant Classification Scheme 2023. Collection method: clinical testing. Allele origin: germline.
Comment: The p.K20E variant (also known as c.58A>G), located in coding exon 1 of the RAD50 gene, results from an A to G substitution at nucleotide position 58. The lysine at codon 20 is replaced by glutamic acid, an amino acid with similar properties. This amino acid position is highly conserved in available vertebrate species. In addition, this alteration is predicted to be tolerated by in silico analysis. Since supporting evidence is limited at this time, the clinical significance of this alteration remains unclear.

Labcorp Genetics (formerly Invitae), Labcorp
Classification: Uncertain significance for Hereditary cancer-predisposing syndrome. Last evaluated: 2019-01-29. Review status: criteria provided, single submitter. Criteria: Invitae Variant Classification Sherloc (09022015). Collection method: clinical testing. Allele origin: germline.
Comment: This variant is not present in population databases (ExAC no frequency). In summary, the available evidence is currently insufficient to determine the role of this variant in disease. Therefore, it has been classified as a Variant of Uncertain Significance. Algorithms developed to predict the effect of missense changes on protein structure and function are either unavailable or do not agree on the potential impact of this missense change (SIFT: "Tolerated"; PolyPhen-2: "Possibly Damaging"; Align-GVGD: "Class C0"). This variant has not been reported in the literature in individuals with RAD50-related conditions. This sequence change replaces lysine with glutamic acid at codon 20 of the RAD50 protein (p.Lys20Glu). The lysine residue is moderately conserved and there is a small physicochemical difference between lysine and glutamic acid.

NM_005732.4(RAD50):c.58A>G (p.Lys20Glu)

Gene: RAD50 (RAD50 double strand break repair protein; plus strand). Cytogenetic location: 5q31.1.
Variant type: single nucleotide variant.
Coding change: c.58A>G on transcript NM_005732.4 (MANE Select); coding-DNA position 58, A replaced by G.
Protein change: p.Lys20Glu; replaces lysine 20 with glutamic acid.
Molecular consequence: missense variant.
Genome position (GRCh38, 1-based): chr5:132,557,382, A>G. VCF-style: chr5-132557382-A-G. GRCh37 (hg19) VCF-style: chr5-131893074-A-G.
Other names: short protein forms K20E.
Identifiers: ClinVar variation 826042 (VCV000826042.14), dbSNP rs1580974425, ClinGen allele CA360951153.